The following is an entry in ClinVar:

ClinVar aggregate classification (germline): Pathogenic/Likely pathogenic. Review status: criteria provided, multiple submitters, no conflicts (2 of 4 stars). 3 submissions from 3 submitters: Pathogenic (1); Likely pathogenic (1). 1 of the submissions does not count toward it. Last evaluated 2025-12-28.

Conditions:
Pierpont syndrome (PRPTS). Identifiers: Orphanet 487825, MedGen C1865644, MONDO:0011213, OMIM 602342.

Submissions (3):

GeneDx
Classification: Pathogenic. Last evaluated: 2025-12-28. Review status: criteria provided, single submitter. Criteria: GeneDx Variant Classification Process June 2021. Collection method: clinical testing. Allele origin: germline. Affected: yes.
Comment: Not observed at significant frequency in large population cohorts (gnomAD); In silico analysis supports that this missense variant has a deleterious effect on protein structure/function; This variant is associated with the following publications: (PMID: 33527360, 34448823, 37683765)

Mendelics
Classification: Likely pathogenic for Pierpont syndrome. Last evaluated: 2019-05-28. Review status: criteria provided, single submitter. Criteria: Mendelics Assertion Criteria 2017. Collection method: clinical testing. Allele origin: unknown.

School of Pediatrics, Henan University of Chinese Medicine
Classification: Likely pathogenic for Pierpont syndrome. Review status: no assertion criteria provided. Collection method: clinical testing. Allele origin: de novo. Inheritance: Autosomal dominant inheritance. Affected: yes. Not counted in ClinVar's aggregate classification.

Literature cited by the submitters: PubMed 33527360 (cited by School of Pediatrics, Henan University of Chinese Medicine).

NM_024665.7(TBL1XR1):c.1184A>G (p.Tyr395Cys)

Gene: TBL1XR1 (TBL1X/Y related 1; minus strand). Cytogenetic location: 3q26.32.
Variant type: single nucleotide variant.
Coding change: c.1184A>G on transcript NM_024665.7 (MANE Select); coding-DNA position 1184, A replaced by G.
Protein change: p.Tyr395Cys; replaces tyrosine 395 with cysteine.
Molecular consequence: missense variant.
Genome position (GRCh38, 1-based): chr3:177,034,264, T>C on the plus strand (A>G on the coding strand, the complement: TBL1XR1 is on the minus strand). VCF-style: chr3-177034264-T-C. GRCh37 (hg19) VCF-style: chr3-176752052-T-C.
Other names: c.1184A>G, p.Tyr395Cys (NM_001321193.3, NM_001321194.3, NM_001374327.1 and 2 more transcripts); c.923A>G, p.Tyr308Cys (NM_001321195.3, NM_001374330.1); short protein forms Y308C, Y395C.
Identifiers: ClinVar variation 802020 (VCV000802020.6), dbSNP rs1576982808, ClinGen allele CA355554713.
Genomic context (GRCh38, chr3:177,034,264, plus strand): 5'-AACATAAGGTTGGCATTTGGATTATTAGTCCCTGGTCCTGTTGGACTCCATTTGATAGTA[T>C]AAATTTCTTTATTATGTGCTTGCAAATCATGGACACAATTGTCTTGTTTCATACTCCATA-3'
Protein context (NP_078941.2, residues 385-405): HDLQAHNKEI[Tyr395Cys]TIKWSPTGPG